The following is an entry in ClinVar:

NM_024334.3(TMEM43):c.1038T>C (p.Ile346=)

Gene: TMEM43 (transmembrane protein 43; plus strand). Cytogenetic location: 3p25.1.
Variant type: single nucleotide variant.
Coding change: c.1038T>C on transcript NM_024334.3 (MANE Select); coding-DNA position 1038, T replaced by C.
Protein change: p.Ile346=; no amino-acid change (isoleucine 346 retained).
Molecular consequence: synonymous variant.
Genome position (GRCh38, 1-based): chr3:14,141,630, T>C. VCF-style: chr3-14141630-T-C. GRCh37 (hg19) VCF-style: chr3-14183130-T-C.
Identifiers: ClinVar variation 924902 (VCV000924902.3), dbSNP rs1695247267, ClinGen allele CA432552880.

ClinVar aggregate classification (germline): Likely benign. Review status: criteria provided, multiple submitters, no conflicts (2 of 4 stars). 2 submissions from 2 submitters: Likely benign (2). Last evaluated 2023-10-02.

Conditions:
Arrhythmogenic right ventricular dysplasia 5. Also called: Arrhythmogenic Right Ventricular Dysplasia/Cardiomyopathy 5; ARRHYTHMOGENIC RIGHT VENTRICULAR DYSPLASIA, FAMILIAL, 5. Identifiers: MedGen C1858379, MONDO:0011459, OMIM 604400.
Cardiomyopathy (CMYO). Also called: Cardiomyopathies. Identifiers: Orphanet 167848, MedGen C0878544, MONDO:0004994, HP:0001638. Inheritance: Various modes of inheritance.

Submissions (2):

All of Us Research Program, National Institutes of Health
Classification: Likely benign for Arrhythmogenic right ventricular dysplasia 5. Last evaluated: 2023-10-02. Review status: criteria provided, single submitter. Criteria: ACMG Guidelines, 2015. Collection method: clinical testing. Allele origin: germline. Inheritance: Autosomal dominant inheritance. Observed: 2 variant alleles, 2 heterozygotes.
Comment: This study involves interpretation of variants in research participants for the purpose of population health screening. Participant phenotype was not available at the time of variant classification. Additional details can be found in publication PMID: 35346344, PMCID: PMC8962531

Color Diagnostics, LLC DBA Color Health
Classification: Likely benign for Cardiomyopathy. Last evaluated: 2018-11-25. Review status: criteria provided, single submitter. Criteria: ACMG Guidelines, 2015. Collection method: clinical testing. Allele origin: germline.